The following is an entry in ClinVar:

ClinVar aggregate classification (germline): Uncertain significance. Review status: criteria provided, multiple submitters, no conflicts (2 of 4 stars). 2 submissions from 2 submitters: Uncertain significance (2). Last evaluated 2022-09-06.

Conditions:
Inborn genetic diseases. Identifiers: MedGen C0950123, MeSH D030342.

Allele frequency attached by ClinVar (database versions not stated): gnomAD 0.00030 and 0.00029; TOPMed 0.00030; ESP Exome Variant Server 0.00032; gnomAD exomes 0.00003 and 0.00007; ExAC 0.00011; 1000 Genomes Project 30x 0.00016; 1000 Genomes Project 0.00020.

Submissions (2):

Ambry Genetics
Classification: Uncertain significance for Inborn genetic diseases. Last evaluated: 2022-09-06. Review status: criteria provided, single submitter. Criteria: Ambry Variant Classification Scheme 2023. Collection method: clinical testing. Allele origin: germline.

Labcorp Genetics (formerly Invitae), Labcorp
Classification: Uncertain significance. Last evaluated: 2022-08-23. Review status: criteria provided, single submitter. Criteria: Invitae Variant Classification Sherloc (09022015). Collection method: clinical testing. Allele origin: germline.
Comment: This sequence change replaces glycine, which is neutral and non-polar, with arginine, which is basic and polar, at codon 349 of the MYO18B protein (p.Gly349Arg). This variant is present in population databases (rs147365808, gnomAD 0.1%). This variant has not been reported in the literature in individuals affected with MYO18B-related conditions. ClinVar contains an entry for this variant (Variation ID: 1523896). Algorithms developed to predict the effect of missense changes on protein structure and function output the following: SIFT: "Not Available"; PolyPhen-2: "Possibly Damaging"; Align-GVGD: "Not Available". The arginine amino acid residue is found in multiple mammalian species, which suggests that this missense change does not adversely affect protein function. In summary, the available evidence is currently insufficient to determine the role of this variant in disease. Therefore, it has been classified as a Variant of Uncertain Significance.

NM_032608.7(MYO18B):c.1045G>C (p.Gly349Arg)

Gene: MYO18B (myosin XVIIIB; plus strand). Cytogenetic location: 22q12.1.
Variant type: single nucleotide variant.
Coding change: c.1045G>C on transcript NM_032608.7 (MANE Select); coding-DNA position 1045, G replaced by C.
Protein change: p.Gly349Arg; replaces glycine 349 with arginine.
Molecular consequence: missense variant.
Genome position (GRCh38, 1-based): chr22:25,768,961, G>C. VCF-style: chr22-25768961-G-C. GRCh37 (hg19) VCF-style: chr22-26164928-G-C.
Other names: c.1045G>C, p.Gly349Arg (NM_001318245.2); c.1045G>C (NM_032608.5); short protein forms G349R.
Identifiers: ClinVar variation 1523896 (VCV001523896.4), dbSNP rs147365808, ClinGen allele CA10159749.